The following is an entry in ClinVar:

NM_000530.8(MPZ):c.67G>A (p.Val23Met)

Gene: MPZ (myelin protein zero; minus strand). Cytogenetic location: 1q23.3.
Variant type: single nucleotide variant.
Coding change: c.67G>A on transcript NM_000530.8 (MANE Select); coding-DNA position 67, G replaced by A.
Protein change: p.Val23Met; replaces valine 23 with methionine.
Molecular consequence: missense variant.
Genome position (GRCh38, 1-based): chr1:161,309,839, C>T on the plus strand (G>A on the coding strand, the complement: MPZ is on the minus strand). VCF-style: chr1-161309839-C-T. GRCh37 (hg19) VCF-style: chr1-161279629-C-T.
Other names: c.67G>A, p.Val23Met (NM_001315491.2); short protein forms V23M.
Identifiers: ClinVar variation 2850221 (VCV002850221.3), dbSNP rs2526250478, ClinGen allele CA343352898.
Genomic context (GRCh38, chr1:161,309,839, plus strand): 5'-TGGGGATTGCTGAGAGACACCTGAGTCCCAAGACTCCCAGAGTAGAGTGGCTCCACTTAC[C>T]CAAAGAAGAGAAGAGCAGCACAGCCAGGATAGGGCTGGGGCTGGATGAGGGAGCCCCAGG-3'
Protein context (NP_000521.2, residues 13-33): ILAVLLFSSL[Val23Met]LSPAQAIVVY

ClinVar aggregate classification (germline): Uncertain significance (1 of 4 stars; one submission).

Conditions:
Charcot-Marie-Tooth disease, type I (CMT1). Also called: Charcot-Marie-Tooth, Type 1; Charcot-Marie-Tooth disease type 1. Identifiers: Orphanet 65753, MedGen C0751036, MONDO:0019011.

Submission:

Labcorp Genetics (formerly Invitae), Labcorp
Classification: Uncertain significance for Charcot-Marie-Tooth disease, type I. Last evaluated: 2023-11-24. Review status: criteria provided, single submitter. Criteria: Invitae Variant Classification Sherloc (09022015). Collection method: clinical testing. Allele origin: germline.
Comment: This sequence change replaces valine, which is neutral and non-polar, with methionine, which is neutral and non-polar, at codon 23 of the MPZ protein (p.Val23Met). This variant also falls at the last nucleotide of exon 1, which is part of the consensus splice site for this exon. This variant is not present in population databases (gnomAD no frequency). This missense change has been observed in individual(s) with clinical features of MPZ-related conditions (Invitae). Experimental studies and prediction algorithms are not available or were not evaluated, and the functional significance of this variant is currently unknown. Variants that disrupt the consensus splice site are a relatively common cause of aberrant splicing (PMID: 17576681, 9536098). Algorithms developed to predict the effect of sequence changes on RNA splicing suggest that this variant may disrupt the consensus splice site. In summary, the available evidence is currently insufficient to determine the role of this variant in disease. Therefore, it has been classified as a Variant of Uncertain Significance.

Literature cited by the submitters: PubMed 17576681; PubMed 9536098.